The following is an entry in ClinVar:

ClinVar aggregate classification (germline): Uncertain significance (1 of 4 stars; one submission).

Allele frequency attached by ClinVar (database versions not stated): gnomAD exomes 0.00002; gnomAD 0.00003.
gnomAD v4.1: 18 of 700,302 alleles (0.0026%); highest among the groups gnomAD compares: Admixed American, 0.008%; no homozygotes.

Submission:

Labcorp Genetics (formerly Invitae), Labcorp
Classification: Uncertain significance. Last evaluated: 2022-08-21. Review status: criteria provided, single submitter. Criteria: Invitae Variant Classification Sherloc (09022015). Collection method: clinical testing. Allele origin: germline.
Comment: This variant occurs in the RNU4ATAC gene, which encodes an RNA molecule that does not result in a protein product. This variant is present in population databases (no rsID available, gnomAD 0.007%). This variant has not been reported in the literature in individuals affected with RNU4ATAC-related conditions. ClinVar contains an entry for this variant (Variation ID: 1462885). Experimental studies and prediction algorithms are not available or were not evaluated, and the functional significance of this variant is currently unknown. In summary, the available evidence is currently insufficient to determine the role of this variant in disease. Therefore, it has been classified as a Variant of Uncertain Significance.

NC_000002.12:g.121530942A>G

Genes: CLASP1 (cytoplasmic linker associated protein 1; minus strand), CLASP1-AS1 (CLASP1 antisense RNA 1; plus strand), RNU4ATAC (RNA, U4atac small nuclear; plus strand). Cytogenetic location: 2q14.2.
Variant type: single nucleotide variant.
Molecular consequence: intron variant (on NM_001395891.1).
Genome position: GRCh38 VCF-style: chr2-121530942-A-G. GRCh37 (hg19) VCF-style: chr2-122288518-A-G.
Other names: c.196-617T>C (NM_001142274.2, NM_015282.3, NM_001378003.1 and 5 more transcripts).
Identifiers: ClinVar variation 1462885 (VCV001462885.3), dbSNP rs978736477, ClinGen allele CA54810884.